The following is an entry in ClinVar:

NM_004380.3(CREBBP):c.2075C>G (p.Pro692Arg)

Gene: CREBBP (CREB binding protein; minus strand). Cytogenetic location: 16p13.3.
Variant type: single nucleotide variant.
Coding change: c.2075C>G on transcript NM_004380.3 (MANE Select); coding-DNA position 2075, C replaced by G.
Protein change: p.Pro692Arg; replaces proline 692 with arginine.
Molecular consequence: missense variant.
Genome position (GRCh38, 1-based): chr16:3,778,049, G>C on the plus strand (C>G on the coding strand, the complement: CREBBP is on the minus strand). VCF-style: chr16-3778049-G-C. GRCh37 (hg19) VCF-style: chr16-3828050-G-C.
Other names: c.1961C>G, p.Pro654Arg (NM_001079846.1); short protein forms P654R, P692R.
Identifiers: ClinVar variation 1313455 (VCV001313455.2), dbSNP rs1256902034, ClinGen allele CA394554383.

ClinVar aggregate classification (germline): Uncertain significance (1 of 4 stars; one submission).

gnomAD v4.1: 9 of 1,614,076 alleles (0.00056%); highest among the groups gnomAD compares: Non-Finnish European, 0.00076%; no homozygotes.

Submission:

GeneDx
Classification: Uncertain significance. Last evaluated: 2020-10-21. Review status: criteria provided, single submitter. Criteria: GeneDx Variant Classification Process June 2021. Collection method: clinical testing. Allele origin: germline. Affected: yes.
Comment: Not observed in large population cohorts (Lek et al., 2016); In silico analysis supports that this missense variant does not alter protein structure/function; Has not been previously published as pathogenic or benign to our knowledge